The following is an entry in ClinVar:

ClinVar aggregate classification (germline): Uncertain significance (1 of 4 stars; one submission).

Submission:

Labcorp Genetics (formerly Invitae), Labcorp
Classification: Uncertain significance. Last evaluated: 2022-01-03. Review status: criteria provided, single submitter. Criteria: Invitae Variant Classification Sherloc (09022015). Collection method: clinical testing. Allele origin: germline.
Comment: In summary, the available evidence is currently insufficient to determine the role of this variant in disease. Therefore, it has been classified as a Variant of Uncertain Significance. Algorithms developed to predict the effect of missense changes on protein structure and function output the following: SIFT: "Deleterious"; PolyPhen-2: "Possibly Damaging"; Align-GVGD: "Class C0". The cysteine amino acid residue is found in multiple mammalian species, which suggests that this missense change does not adversely affect protein function. This variant has not been reported in the literature in individuals affected with IL21-related conditions. This variant is not present in population databases (gnomAD no frequency). This sequence change replaces serine, which is neutral and polar, with cysteine, which is neutral and slightly polar, at codon 162 of the IL21 protein (p.Ser162Cys).

NM_021803.4(IL21):c.485C>G (p.Ser162Cys)

Gene: IL21 (interleukin 21; minus strand). Cytogenetic location: 4q27.
Variant type: single nucleotide variant.
Coding change: c.485C>G on transcript NM_021803.4 (MANE Select); coding-DNA position 485, C replaced by G.
Protein change: p.Ser162Cys; replaces serine 162 with cysteine.
Molecular consequence: missense variant. On other transcripts: 3 prime UTR variant (1).
Genome position (GRCh38, 1-based): chr4:122,612,714, G>C on the plus strand (C>G on the coding strand, the complement: IL21 is on the minus strand). VCF-style: chr4-122612714-G-C. GRCh37 (hg19) VCF-style: chr4-123533869-G-C.
Other names: c.*113C>G (NM_001207006.3); short protein forms S162C.
Identifiers: ClinVar variation 1951688 (VCV001951688.5), dbSNP rs1365973160, ClinGen allele CA358220770.